The following is an entry in ClinVar:

ClinVar aggregate classification (germline): Uncertain significance (1 of 4 stars; one submission).

Submission:

Labcorp Genetics (formerly Invitae), Labcorp
Classification: Uncertain significance. Last evaluated: 2025-12-10. Review status: criteria provided, single submitter. Criteria: Invitae Variant Classification Sherloc (09022015). Collection method: clinical testing. Allele origin: germline.
Comment: This sequence change replaces leucine, which is neutral and non-polar, with valine, which is neutral and non-polar, at codon 172 of the DLC1 protein (p.Leu172Val). This variant is present in population databases (rs141370387, gnomAD 0.03%). This variant has not been reported in the literature in individuals affected with DLC1-related conditions. An algorithm developed to predict the effect of missense changes on protein structure and function outputs the following: PolyPhen-2: "Benign". The valine amino acid residue is found in multiple mammalian species, which suggests that this missense change does not adversely affect protein function. In summary, the available evidence is currently insufficient to determine the role of this variant in disease. Therefore, it has been classified as a Variant of Uncertain Significance.

NM_182643.3(DLC1):c.514T>G (p.Leu172Val)

Gene: DLC1 (DLC1 Rho GTPase activating protein; minus strand). Cytogenetic location: 8p22.
Variant type: single nucleotide variant.
Coding change: c.514T>G on transcript NM_182643.3 (MANE Select); coding-DNA position 514, T replaced by G.
Protein change: p.Leu172Val; replaces leucine 172 with valine.
Molecular consequence: missense variant. On other transcripts: 5 prime UTR variant (1).
Genome position (GRCh38, 1-based): chr8:13,499,558, A>C on the plus strand (T>G on the coding strand, the complement: DLC1 is on the minus strand). VCF-style: chr8-13499558-A-C. GRCh37 (hg19) VCF-style: chr8-13357067-A-C.
Other names: c.514T>G, p.Leu172Val (NM_001348081.2, NM_001413124.1, NM_001413125.1 and 1 more transcripts); c.-938T>G (NM_001348082.2); short protein forms L172V.
Identifiers: ClinVar variation 4750793 (VCV004750793.1).
Genomic context (GRCh38, chr8:13,499,558, plus strand): 5'-CCAGGCTTTTACTTATAGAGTCAGTAACTTTTCTCTCCCCACTTTCTTTTACCAGTGCTA[A>C]TTCAGTTTCACCAGCTATTCCCCAGGAGTTAGAAGAAACTTGGTTACTTTGTATGATGGG-3'
Protein context (NP_872584.2, residues 162-182): NSWGIAGETE[Leu172Val]ALVKESGERK